The following is an entry in ClinVar:

NM_017637.6(BNC2):c.3277A>G (p.Ile1093Val)

Gene: BNC2 (basonuclin zinc finger protein 2; minus strand). Cytogenetic location: 9p22.3.
Variant type: single nucleotide variant.
Coding change: c.3277A>G on transcript NM_017637.6 (MANE Select); coding-DNA position 3277, A replaced by G.
Protein change: p.Ile1093Val; replaces isoleucine 1093 with valine.
Molecular consequence: missense variant. On other transcripts: 3 prime UTR variant (1).
Genome position (GRCh38, 1-based): chr9:16,419,012, T>C on the plus strand (A>G on the coding strand, the complement: BNC2 is on the minus strand). VCF-style: chr9-16419012-T-C. GRCh37 (hg19) VCF-style: chr9-16419010-T-C.
Other names: c.*621A>G (NM_001317939.2); c.2992A>G, p.Ile998Val (NM_001317940.2); short protein forms I1093V, I998V.
Identifiers: ClinVar variation 3648370 (VCV003648370.2).

ClinVar aggregate classification (germline): Uncertain significance (1 of 4 stars; one submission).

gnomAD v4.1: 8 of 1,614,148 alleles (0.0005%); highest among the groups gnomAD compares: Non-Finnish European, 0.00059%; no homozygotes.

Submission:

Labcorp Genetics (formerly Invitae), Labcorp
Classification: Uncertain significance. Last evaluated: 2024-06-30. Review status: criteria provided, single submitter. Criteria: Invitae Variant Classification Sherloc (09022015). Collection method: clinical testing. Allele origin: germline.
Comment: This sequence change replaces isoleucine, which is neutral and non-polar, with valine, which is neutral and non-polar, at codon 1093 of the BNC2 protein (p.Ile1093Val). This variant is not present in population databases (gnomAD no frequency). This variant has not been reported in the literature in individuals affected with BNC2-related conditions. An algorithm developed to predict the effect of missense changes on protein structure and function (PolyPhen-2) suggests that this variant is likely to be tolerated. In summary, the available evidence is currently insufficient to determine the role of this variant in disease. Therefore, it has been classified as a Variant of Uncertain Significance.